The following is an entry in ClinVar:

ClinVar aggregate classification (germline): Uncertain significance (1 of 4 stars; one submission).

Conditions:
Catecholaminergic polymorphic ventricular tachycardia (CVPT). Also called: Catecholamine-induced polymorphic ventricular tachycardia. Identifiers: Orphanet 3286, MedGen C5574922, MONDO:0017990.

Submission:

All of Us Research Program, National Institutes of Health
Classification: Uncertain significance for Catecholaminergic polymorphic ventricular tachycardia. Last evaluated: 2024-09-23. Review status: criteria provided, single submitter. Criteria: ACMG Guidelines, 2015. Collection method: clinical testing. Allele origin: germline. Inheritance: Autosomal dominant inheritance. Observed: 1 variant allele, 1 heterozygote.
Comment: This study involves interpretation of variants in research participants for the purpose of population health screening. Participant phenotype was not available at the time of variant classification. Additional details can be found in publication PMID: 35346344, PMCID: PMC8962531

NM_001035.3(RYR2):c.13222A>C (p.Asn4408His)

Genes: RYR2 (ryanodine receptor 2; plus strand), LOC126806068 (BRD4-independent group 4 enhancer GRCh37_chr1:237947411-237948610; plus strand). Cytogenetic location: 1q43.
Variant type: single nucleotide variant.
Coding change: c.13222A>C on transcript NM_001035.3 (MANE Select); coding-DNA position 13222, A replaced by C.
Protein change: p.Asn4408His; replaces asparagine 4408 with histidine.
Molecular consequence: missense variant.
Genome position (GRCh38, 1-based): chr1:237,784,934, A>C. VCF-style: chr1-237784934-A-C. GRCh37 (hg19) VCF-style: chr1-237948234-A-C.
Other names: short protein forms N4408H.
Identifiers: ClinVar variation 3385859 (VCV003385859.1).